The following is an entry in ClinVar:

ClinVar aggregate classification (germline): Uncertain significance (1 of 4 stars; one submission).

gnomAD v4.1: 1 of 1,613,994 alleles (0.000062%); highest among the groups gnomAD compares: Non-Finnish European, 0.000085%; no homozygotes.

Submission:

Labcorp Genetics (formerly Invitae), Labcorp
Classification: Uncertain significance. Last evaluated: 2022-02-24. Review status: criteria provided, single submitter. Criteria: Invitae Variant Classification Sherloc (09022015). Collection method: clinical testing. Allele origin: germline.
Comment: This variant has not been reported in the literature in individuals affected with PITPNM3-related conditions. ClinVar contains an entry for this variant (Variation ID: 968263). In summary, the available evidence is currently insufficient to determine the role of this variant in disease. Therefore, it has been classified as a Variant of Uncertain Significance. Algorithms developed to predict the effect of missense changes on protein structure and function are either unavailable or do not agree on the potential impact of this missense change (SIFT: "Deleterious"; PolyPhen-2: "Probably Damaging"; Align-GVGD: "Class C0"). This variant is not present in population databases (gnomAD no frequency). This sequence change replaces aspartic acid, which is acidic and polar, with tyrosine, which is neutral and polar, at codon 26 of the PITPNM3 protein (p.Asp26Tyr).

NM_031220.4(PITPNM3):c.76G>T (p.Asp26Tyr)

Gene: PITPNM3 (PITPNM family member 3; minus strand). Cytogenetic location: 17p13.1.
Variant type: single nucleotide variant.
Coding change: c.76G>T on transcript NM_031220.4 (MANE Select); coding-DNA position 76, G replaced by T.
Protein change: p.Asp26Tyr; replaces aspartic acid 26 with tyrosine.
Molecular consequence: missense variant.
Genome position (GRCh38, 1-based): chr17:6,538,029, C>A on the plus strand (G>T on the coding strand, the complement: PITPNM3 is on the minus strand). VCF-style: chr17-6538029-C-A. GRCh37 (hg19) VCF-style: chr17-6441349-C-A.
Other names: c.76G>T, p.Asp26Tyr (NM_001165966.2); short protein forms D26Y.
Identifiers: ClinVar variation 968263 (VCV000968263.9), dbSNP rs1909534416, ClinGen allele CA397402878.